The following is an entry in ClinVar:

NM_004281.4(BAG3):c.1121C>T (p.Pro374Leu)

Gene: BAG3 (BAG cochaperone 3; plus strand). Cytogenetic location: 10q26.11.
Variant type: single nucleotide variant.
Coding change: c.1121C>T on transcript NM_004281.4 (MANE Select); coding-DNA position 1121, C replaced by T.
Protein change: p.Pro374Leu; replaces proline 374 with leucine.
Molecular consequence: missense variant.
Genome position (GRCh38, 1-based): chr10:119,676,675, C>T. VCF-style: chr10-119676675-C-T. GRCh37 (hg19) VCF-style: chr10-121436187-C-T.
Other names: short protein forms P374L.
Identifiers: ClinVar variation 1375236 (VCV001375236.7), dbSNP rs770517568, ClinGen allele CA378296676.

ClinVar aggregate classification (germline): Uncertain significance (1 of 4 stars; one submission).

Conditions:
Dilated cardiomyopathy 1HH (CMD1HH). Identifiers: Orphanet 154, MedGen C3151293, MONDO:0013479, OMIM 613881.
Myofibrillar myopathy 6. Identifiers: Orphanet 199340, MedGen C2751831, MONDO:0013061, OMIM 612954.

gnomAD v4.1: 2 of 1,614,168 alleles (0.00012%); highest among the groups gnomAD compares: Non-Finnish European, 0.000085%; no homozygotes.

Submission:

Labcorp Genetics (formerly Invitae), Labcorp
Classification: Uncertain significance for Dilated cardiomyopathy 1HH; Myofibrillar myopathy 6. Last evaluated: 2022-07-25. Review status: criteria provided, single submitter. Criteria: Invitae Variant Classification Sherloc (09022015). Collection method: clinical testing. Allele origin: germline.
Comment: This variant has not been reported in the literature in individuals affected with BAG3-related conditions. In summary, the available evidence is currently insufficient to determine the role of this variant in disease. Therefore, it has been classified as a Variant of Uncertain Significance. Algorithms developed to predict the effect of missense changes on protein structure and function are either unavailable or do not agree on the potential impact of this missense change (SIFT: "Tolerated"; PolyPhen-2: "Not Available"; Align-GVGD: "Class C0"). ClinVar contains an entry for this variant (Variation ID: 1375236). This variant is present in population databases (no rsID available, gnomAD 0.002%). This sequence change replaces proline, which is neutral and non-polar, with leucine, which is neutral and non-polar, at codon 374 of the BAG3 protein (p.Pro374Leu).